The following is an entry in ClinVar:

NM_130810.4(DNAAF4):c.583dup (p.Ile195fs)

Genes: DNAAF4 (dynein axonemal assembly factor 4; minus strand), DNAAF4-CCPG1 (DNAAF4-CCPG1 readthrough (NMD candidate); minus strand). Cytogenetic location: 15q21.3.
Variant type: Duplication.
Coding change: c.583dup on transcript NM_130810.4 (MANE Select); coding-DNA position 583, one base duplicated (A; older notation c.583dupA).
Protein change: p.Ile195fs; shifts the reading frame from isoleucine 195.
Molecular consequence: frameshift variant. On other transcripts: non-coding transcript variant (1).
Genome position (GRCh38, 1-based): chr15:55,466,984, T duplicated on the plus strand (A on the coding strand, the reverse complement: DNAAF4 is on the minus strand); the first of 8 consecutive T bases (chr15:55,466,984-55,466,991); duplicating any one gives the same sequence. VCF-style (leftmost placement, unchanged base first): chr15-55466983-A-AT. GRCh37 (hg19) VCF-style: chr15-55759181-A-AT.
Other names: c.583dup, p.Ile195fs (NM_001033559.3, NM_001033560.2); short protein forms I195fs.
Identifiers: ClinVar variation 3711699 (VCV003711699.4).

ClinVar aggregate classification (germline): Conflicting classifications of pathogenicity. Review status: criteria provided, conflicting classifications (1 of 4 stars). 3 submissions from 3 submitters: Pathogenic (1); Likely pathogenic (1); Uncertain significance (1). Last evaluated 2024-09-26.

Conditions:
Dyslexia, susceptibility to, 1. Also called: READING DISABILITY, SPECIFIC, 1; WORD-BLINDNESS, CONGENITAL. Identifiers: MedGen C1851967, MONDO:0007487, OMIM 127700.
Primary ciliary dyskinesia 25 (CILD25). Also called: CILIARY DYSKINESIA, PRIMARY, 25, WITH OR WITHOUT SITUS INVERSUS. Identifiers: Orphanet 244, MedGen C3809641, MONDO:0014203, OMIM 615482.

Submissions (3):

GeneDx
Classification: Uncertain significance. Last evaluated: 2024-09-26. Review status: criteria provided, single submitter. Criteria: GeneDx Variant Classification Process June 2021. Collection method: clinical testing. Allele origin: germline. Affected: yes.
Comment: Frameshift variant predicted to result in protein truncation or nonsense mediated decay in a gene for which loss of function is a known mechanism of disease; Has not been previously published as pathogenic or benign to our knowledge

Labcorp Genetics (formerly Invitae), Labcorp
Classification: Pathogenic. Last evaluated: 2024-05-23. Review status: criteria provided, single submitter. Criteria: Invitae Variant Classification Sherloc (09022015). Collection method: clinical testing. Allele origin: germline.
Comment: This sequence change creates a premature translational stop signal (p.Ile195Asnfs*4) in the DNAAF4 gene. It is expected to result in an absent or disrupted protein product. Loss-of-function variants in DNAAF4 are known to be pathogenic (PMID: 23872636). The frequency data for this variant in the population databases is considered unreliable, as metrics indicate poor data quality at this position in the gnomAD database. This variant has not been reported in the literature in individuals affected with DNAAF4-related conditions. For these reasons, this variant has been classified as Pathogenic.

Department of Pathology and Laboratory Medicine, Sinai Health System
Classification: Likely pathogenic for Dyslexia, susceptibility to, 1; Primary ciliary dyskinesia 25. Last evaluated: 2023-05-06. Review status: criteria provided, single submitter. Criteria: ACMG Guidelines, 2015. Collection method: research. Allele origin: germline.

Literature cited by the submitters: PubMed 23872636 (cited by Labcorp Genetics (formerly Invitae), Labcorp).